The following is an entry in ClinVar:

NM_000088.4(COL1A1):c.3913C>A (p.Pro1305Thr)

Gene: COL1A1 (collagen type I alpha 1 chain; minus strand). Cytogenetic location: 17q21.33.
Variant type: single nucleotide variant.
Coding change: c.3913C>A on transcript NM_000088.4 (MANE Select); coding-DNA position 3913, C replaced by A.
Protein change: p.Pro1305Thr; replaces proline 1305 with threonine.
Molecular consequence: missense variant.
Genome position (GRCh38, 1-based): chr17:50,186,409, G>T on the plus strand (C>A on the coding strand, the complement: COL1A1 is on the minus strand). VCF-style: chr17-50186409-G-T. GRCh37 (hg19) VCF-style: chr17-48263770-G-T.
Other names: short protein forms P1305T.
Identifiers: ClinVar variation 4855640 (VCV004855640.1).

ClinVar aggregate classification (germline): Uncertain significance (1 of 4 stars; one submission).

Conditions:
COL1A1-related disorder. Also called: COL1A1-related condition; COL1A1- related disease.

Submission:

3billion
Classification: Uncertain significance for COL1A1-related disorder. Last evaluated: 2026-01-26. Review status: criteria provided, single submitter. Criteria: ACMG Guidelines, 2015. Collection method: clinical testing. Allele origin: germline. Affected: yes.
Comment: The variant is not observed in the gnomAD v4.1.0 dataset. Predicted Consequence/Location: Missense variant Therefore, this variant is classified as VUS according to the recommendation of ACMG/AMP guideline.